The following is an entry in ClinVar:

NM_000234.3(LIG1):c.620C>T (p.Thr207Met)

Gene: LIG1 (DNA ligase 1; minus strand). Cytogenetic location: 19q13.33.
Variant type: single nucleotide variant.
Coding change: c.620C>T on transcript NM_000234.3 (MANE Select); coding-DNA position 620, C replaced by T.
Protein change: p.Thr207Met; replaces threonine 207 with methionine.
Molecular consequence: missense variant. On other transcripts: non-coding transcript variant (6).
Genome position (GRCh38, 1-based): chr19:48,150,165, G>A on the plus strand (C>T on the coding strand, the complement: LIG1 is on the minus strand). VCF-style: chr19-48150165-G-A. GRCh37 (hg19) VCF-style: chr19-48653422-G-A.
Other names: c.527C>T, p.Thr176Met (NM_001289063.2); c.416C>T, p.Thr139Met (NM_001289064.2); c.617C>T, p.Thr206Met (NM_001320970.2); c.530C>T, p.Thr177Met (NM_001320971.2); c.620C>T (NM_000234.1); short protein forms T207M, T176M, T139M, T177M, T206M.
Identifiers: ClinVar variation 1435781 (VCV001435781.9), dbSNP rs778281872, ClinGen allele CA9547196.
Genomic context (GRCh38, chr19:48,150,165, plus strand): 5'-GTCTTGGGAGCTCTGCGGGGAGGCTTGGTCTGCTCTTCCTCCTCCTGCAGTTCCTGCTTC[G>A]TGGCCACCTCAGGCTCTGAAACGCTTTCCGTCGGGGTCTCTGCTTCTGCGGTGAGAGAGC-3'
Protein context (NP_000225.1, residues 197-217): TESVSEPEVA[Thr207Met]KQELQEEEEQ

ClinVar aggregate classification (germline): Uncertain significance. Review status: criteria provided, multiple submitters, no conflicts (2 of 4 stars). 2 submissions from 2 submitters: Uncertain significance (2). Last evaluated 2025-05-23.

Allele frequency attached by ClinVar (database versions not stated): ExAC 0.00001; gnomAD exomes 0.00001; TOPMed 0.00001.
gnomAD v4.1: 6 of 1,614,184 alleles (0.00037%); highest among the groups gnomAD compares: South Asian, 0.0044%; no homozygotes.

Submissions (2):

Ambry Genetics
Classification: Uncertain significance. Last evaluated: 2025-05-23. Review status: criteria provided, single submitter. Criteria: Ambry Variant Classification Scheme 2023. Collection method: clinical testing. Allele origin: germline.

Labcorp Genetics (formerly Invitae), Labcorp
Classification: Uncertain significance. Last evaluated: 2022-12-02. Review status: criteria provided, single submitter. Criteria: Invitae Variant Classification Sherloc (09022015). Collection method: clinical testing. Allele origin: germline.
Comment: In summary, the available evidence is currently insufficient to determine the role of this variant in disease. Therefore, it has been classified as a Variant of Uncertain Significance. Algorithms developed to predict the effect of missense changes on protein structure and function (SIFT, PolyPhen-2, Align-GVGD) all suggest that this variant is likely to be tolerated. ClinVar contains an entry for this variant (Variation ID: 1435781). This variant has not been reported in the literature in individuals affected with LIG1-related conditions. This variant is present in population databases (rs778281872, gnomAD 0.003%). This sequence change replaces threonine, which is neutral and polar, with methionine, which is neutral and non-polar, at codon 207 of the LIG1 protein (p.Thr207Met).